The following is an entry in ClinVar:

ClinVar aggregate classification (germline): Uncertain significance (1 of 4 stars; one submission).

Conditions:
Hereditary spastic paraplegia 11. Also called: SPASTIC PARAPLEGIA, AUTOSOMAL RECESSIVE, COMPLICATED, WITH THIN CORPUS CALLOSUM; SPASTIC PARAPLEGIA, AUTOSOMAL RECESSIVE, WITH MENTAL IMPAIRMENT AND THIN CORPUS CALLOSUM; Spastic Paraplegia 11; Nakamura Osame syndrome; Autosomal recessive hereditary spastic paraplegia, mental impairment, and thin corpus callosum; Spastic paraplegia, mental retardation and thin corpus callosum. Identifiers: Orphanet 2822, MedGen C1858479, MONDO:0011445, OMIM 604360.

gnomAD v4.1: 1 of 1,614,244 alleles (0.000062%); highest among the groups gnomAD compares: Non-Finnish European, 0.000085%; no homozygotes.

Submission:

Labcorp Genetics (formerly Invitae), Labcorp
Classification: Uncertain significance for Hereditary spastic paraplegia 11. Last evaluated: 2021-06-05. Review status: criteria provided, single submitter. Criteria: Invitae Variant Classification Sherloc (09022015). Collection method: clinical testing. Allele origin: germline.
Comment: This sequence change replaces glutamine with proline at codon 395 of the SPG11 protein (p.Gln395Pro). The glutamine residue is weakly conserved and there is a moderate physicochemical difference between glutamine and proline. This variant is not present in population databases (ExAC no frequency). This variant has not been reported in the literature in individuals with SPG11-related conditions. Algorithms developed to predict the effect of missense changes on protein structure and function output the following: SIFT: "Tolerated"; PolyPhen-2: "Benign"; Align-GVGD: "Class C0". The proline amino acid residue is found in multiple mammalian species, suggesting that this missense change does not adversely affect protein function. These predictions have not been confirmed by published functional studies and their clinical significance is uncertain. In summary, the available evidence is currently insufficient to determine the role of this variant in disease. Therefore, it has been classified as a Variant of Uncertain Significance.

NM_025137.4(SPG11):c.1184A>C (p.Gln395Pro)

Gene: SPG11 (SPG11 vesicle trafficking associated, spatacsin; minus strand). Cytogenetic location: 15q21.1.
Variant type: single nucleotide variant.
Coding change: c.1184A>C on transcript NM_025137.4 (MANE Select); coding-DNA position 1184, A replaced by C.
Protein change: p.Gln395Pro; replaces glutamine 395 with proline.
Molecular consequence: missense variant.
Genome position (GRCh38, 1-based): chr15:44,651,763, T>G on the plus strand (A>C on the coding strand, the complement: SPG11 is on the minus strand). VCF-style: chr15-44651763-T-G. GRCh37 (hg19) VCF-style: chr15-44943961-T-G.
Other names: c.1184A>C, p.Gln395Pro (NM_001160227.2); short protein forms Q395P.
Identifiers: ClinVar variation 1353438 (VCV001353438.8), dbSNP rs758480359, ClinGen allele CA392236406.